The following is an entry in ClinVar:

ClinVar aggregate classification (germline): Uncertain significance (1 of 4 stars; one submission).

Conditions:
Inborn genetic diseases. Identifiers: MedGen C0950123, MeSH D030342.

Allele frequency attached by ClinVar (database versions not stated): gnomAD 0.00001; TOPMed 0.00001; gnomAD exomes below 0.00001; ExAC 0.00001.
gnomAD v4.1: 2 of 1,605,064 alleles (0.00012%); highest among the groups gnomAD compares: African/African-American, 0.0027%; no homozygotes.

Submission:

Ambry Genetics
Classification: Uncertain significance for Inborn genetic diseases. Last evaluated: 2022-08-04. Review status: criteria provided, single submitter. Criteria: Ambry Variant Classification Scheme 2023. Collection method: clinical testing. Allele origin: germline.
Comment: The c.1378-5T>C intronic alteration consists of a T to C substitution 5 nucleotides before exon 12 of the COQ6 gene. Based on insufficient or conflicting evidence, the clinical significance of this alteration remains unclear.

NM_182476.3(COQ6):c.1378-5T>C

Genes: COQ6 (coenzyme Q6, monooxygenase; plus strand), ENTPD5 (ectonucleoside triphosphate diphosphohydrolase 5; minus strand). Cytogenetic location: 14q24.3.
Variant type: single nucleotide variant.
Coding change: c.1378-5T>C on transcript NM_182476.3 (MANE Select); 5 bases into the intron before coding-DNA position 1378, T replaced by C.
Molecular consequence: intron variant.
Genome position (GRCh38, 1-based): chr14:73,962,965, T>C. VCF-style: chr14-73962965-T-C. GRCh37 (hg19) VCF-style: chr14-74429668-T-C.
Other names: c.1195-5T>C (NM_001425258.1); c.1153-5T>C (NM_001425259.1, NM_001425260.1); c.1153-11T>C (NM_001425261.1); c.1303-5T>C (NM_182480.3); c.1051-5T>C (NM_001425263.1); c.1211-5T>C (NM_001425255.1); c.1270-5T>C (NM_001425256.1); c.838-5T>C (NM_001425265.1, NM_001425264.1); and 5 more.
Identifiers: ClinVar variation 2298250 (VCV002298250.2), dbSNP rs758647874, ClinGen allele CA7264533.